The following is an entry in ClinVar:

ClinVar aggregate classification (germline): Benign/Likely benign. Review status: criteria provided, multiple submitters, no conflicts (2 of 4 stars). 7 submissions from 7 submitters: Benign (4); Likely benign (3). Last evaluated 2026-02-01.

Conditions:
Primary ciliary dyskinesia 10. Also called: CILIARY DYSKINESIA, PRIMARY, 10, WITH OR WITHOUT SITUS INVERSUS. Identifiers: Orphanet 244, MedGen C2675867, MONDO:0012918, OMIM 612518.
Primary ciliary dyskinesia. Also called: Ciliary dyskinesia. Identifiers: Orphanet 244, MedGen C0008780, MONDO:0016575, HP:0012265.

Allele frequency attached by ClinVar (database versions not stated): gnomAD exomes 0.00062 and 0.00182; ExAC 0.00307; ESP Exome Variant Server 0.00643; gnomAD 0.00744 and 0.00785; TOPMed 0.00871; 1000 Genomes Project 0.01118; 1000 Genomes Project 30x 0.01171.
gnomAD v4.1: 2,082 of 1,593,556 alleles (0.13%); highest among the groups gnomAD compares: African/African-American, 2.4%; 32 homozygotes.

Submissions (7):

Labcorp Genetics (formerly Invitae), Labcorp
Classification: Benign for Primary ciliary dyskinesia. Last evaluated: 2026-02-01. Review status: criteria provided, single submitter. Criteria: Invitae Variant Classification Sherloc (09022015). Collection method: clinical testing. Allele origin: germline.

ARUP Laboratories, Molecular Genetics and Genomics, ARUP Laboratories
Classification: Benign for Primary ciliary dyskinesia 10. Last evaluated: 2025-02-06. Review status: criteria provided, single submitter. Criteria: ARUP Molecular Germline Variant Investigation Process 2024. Collection method: clinical testing. Allele origin: germline.

GeneDx
Classification: Likely benign. Last evaluated: 2019-05-28. Review status: criteria provided, single submitter. Criteria: GeneDx Variant Classification Process June 2021. Collection method: clinical testing. Allele origin: germline. Affected: yes.
Comment: See Variant Classification Assertion Criteria.

Illumina Laboratory Services, Illumina
Classification: Likely benign for Primary ciliary dyskinesia 10. Last evaluated: 2018-01-12. Review status: criteria provided, single submitter. Criteria: ICSL Variant Classification Criteria 13 December 2019. Collection method: clinical testing. Allele origin: germline.
Comment: This variant was observed in the ICSL laboratory as part of a predisposition screen in an ostensibly healthy population. It had not been previously curated by ICSL or reported in the Human Gene Mutation Database (HGMD: prior to June 1st, 2018), and was therefore a candidate for classification through an automated scoring system. Utilizing variant allele frequency, disease prevalence and penetrance estimates, and inheritance mode, an automated score was calculated to assess if this variant is too frequent to cause the disease. Based on the score and internal cut-off values, a variant classified as likely benign is not then subjected to further curation. The score for this variant resulted in a classification of likely benign for this disease.

Center for Pediatric Genomic Medicine, Children's Mercy Hospital and Clinics
Classification: Likely benign. Last evaluated: 2017-08-28. Review status: criteria provided, single submitter. Criteria: ACMG Guidelines, 2015. Collection method: clinical testing. Allele origin: germline.

Ambry Genetics
Classification: Benign for Primary ciliary dyskinesia. Last evaluated: 2016-01-28. Review status: criteria provided, single submitter. Criteria: Ambry Variant Classification Scheme 2023. Collection method: clinical testing. Allele origin: germline.

PreventionGenetics, part of Exact Sciences
Classification: Benign. Review status: criteria provided, single submitter. Criteria: ACMG Guidelines, 2015. Collection method: clinical testing. Allele origin: germline.

NM_018139.3(DNAAF2):c.1367C>T (p.Pro456Leu)

Gene: DNAAF2 (dynein axonemal assembly factor 2; minus strand). Cytogenetic location: 14q21.3.
Variant type: single nucleotide variant.
Coding change: c.1367C>T on transcript NM_018139.3 (MANE Select); coding-DNA position 1367, C replaced by T.
Protein change: p.Pro456Leu; replaces proline 456 with leucine.
Molecular consequence: missense variant. On other transcripts: 5 prime UTR variant (1).
Genome position (GRCh38, 1-based): chr14:49,633,783, G>A on the plus strand (C>T on the coding strand, the complement: DNAAF2 is on the minus strand). VCF-style: chr14-49633783-G-A. GRCh37 (hg19) VCF-style: chr14-50100501-G-A.
Other names: c.1367C>T, p.Pro456Leu (NM_001083908.2); c.-505C>T (NM_001378453.1); short protein forms P456L.
Identifiers: ClinVar variation 261012 (VCV000261012.22), dbSNP rs137991407, ClinGen allele CA7172931.